The following is an entry in ClinVar:

NM_000179.3(MSH6):c.1372del (p.His458fs)

Gene: MSH6 (mutS homolog 6; plus strand). Cytogenetic location: 2p16.3.
Variant type: Deletion.
Coding change: c.1372del on transcript NM_000179.3 (MANE Select); coding-DNA position 1372, one base deleted (C; older notation c.1372delC).
Protein change: p.His458fs; shifts the reading frame from histidine 458.
Molecular consequence: frameshift variant. On other transcripts: non-coding transcript variant (4), intron variant (1).
Genome position (GRCh38, 1-based): chr2:47,799,355, C deleted; the last of 3 consecutive C bases (chr2:47,799,353-47,799,355); deleting any one gives the same sequence. VCF-style (leftmost placement, unchanged base first): chr2-47799352-GC-G. GRCh37 (hg19) VCF-style: chr2-48026491-GC-G.
Other names: c.847del, p.His283fs (NM_001406799.1, NM_001406806.1, NM_001406807.1); c.1372del, p.His458fs (NM_001406800.1, NM_001406803.1, NM_001406808.1 and 4 more transcripts); c.1075del, p.His359fs (NM_001406801.1, NM_001406805.1, NM_001406818.1 and 10 more transcripts); c.1468del, p.His490fs (NM_001406802.1, NM_001406795.1); c.1294del, p.His432fs (NM_001406804.1); c.466del, p.His156fs (NM_001406811.1, NM_001406812.1, NM_001406814.1 and 6 more transcripts); c.1378del, p.His460fs (NM_001406813.1); c.1204del, p.His402fs (NM_001406826.1); and 2 more; short protein forms H460fs, H283fs, H156fs, H328fs, H402fs, H490fs, H359fs, H432fs.
Identifiers: ClinVar variation 2819553 (VCV002819553.3), dbSNP rs2530605709, ClinGen allele CA2739274414.

ClinVar aggregate classification (germline): Pathogenic (1 of 4 stars; one submission).

Conditions:
Hereditary nonpolyposis colorectal neoplasms. Identifiers: MedGen C0009405, MeSH D003123.

Submission:

Labcorp Genetics (formerly Invitae), Labcorp
Classification: Pathogenic for Hereditary nonpolyposis colorectal neoplasms. Last evaluated: 2023-03-02. Review status: criteria provided, single submitter. Criteria: Invitae Variant Classification Sherloc (09022015). Collection method: clinical testing. Allele origin: germline.
Comment: This sequence change creates a premature translational stop signal (p.His458Ilefs*23) in the MSH6 gene. It is expected to result in an absent or disrupted protein product. Loss-of-function variants in MSH6 are known to be pathogenic (PMID: 18269114, 24362816). This variant is not present in population databases (gnomAD no frequency). This variant has not been reported in the literature in individuals affected with MSH6-related conditions. For these reasons, this variant has been classified as Pathogenic.

Literature cited by the submitters: PubMed 18269114; PubMed 24362816.